The following is an entry in ClinVar:

NM_177438.3(DICER1):c.1801_1805dup (p.Asp602fs)

Gene: DICER1 (dicer 1, ribonuclease III; minus strand). Cytogenetic location: 14q32.13.
Variant type: Duplication.
Coding change: c.1801_1805dup on transcript NM_177438.3 (MANE Select); coding-DNA positions 1801 to 1805, 5 bases duplicated (ATTGA; older notation c.1801_1805dupATTGA).
Protein change: p.Asp602fs; shifts the reading frame from aspartic acid 602.
Molecular consequence: frameshift variant.
Genome position (GRCh38, 1-based): chr14:95,115,769-95,115,773, TCAAT duplicated on the plus strand (ATTGA on the coding strand, the reverse complement: DICER1 is on the minus strand). VCF-style (leftmost placement, unchanged base first): chr14-95115768-A-ATCAAT. GRCh37 (hg19) VCF-style: chr14-95582105-A-ATCAAT.
Other names: c.1801_1805dup, p.Asp602fs (NM_001195573.1, NM_001271282.3, NM_001291628.2 and 1 more transcripts); short protein forms D602fs.
Identifiers: ClinVar variation 932969 (VCV000932969.3), dbSNP rs1892391065, ClinGen allele CA1139663668.

ClinVar aggregate classification (germline): Pathogenic (1 of 4 stars; one submission).

Conditions:
DICER1-related tumor predisposition. Also called: DICER1-related pleuropulmonary blastoma cancer predisposition syndrome; DICER1 syndrome. Identifiers: Orphanet 284343, MedGen C3839822, MONDO:0100216.

Submission:

Foulkes Cancer Genetics LDI, Lady Davis Institute for Medical Research
Classification: Pathogenic for Pleuropulmonary blastoma. Last evaluated: 2019-07-01. Review status: criteria provided, single submitter. Criteria: ACMG Guidelines, 2015. Collection method: curation. Allele origin: germline. Affected: yes. Observed: 3 variant alleles.
Comment: ACMG criteria met: PVS1, PM2, PM7, PP1, PP4

Literature cited by the submitters: PubMed 24513630.